The following is an entry in ClinVar:

ClinVar aggregate classification (germline): Likely pathogenic (1 of 4 stars; one submission).

Conditions:
Neurodevelopmental disorder with dysmorphic facies and distal limb anomalies. Identifiers: Orphanet 686482, MedGen C4540327, MONDO:0060596, OMIM 617755.

Submission:

Centro Nacional de Genética Medica, Administración Nacional de Laboratorios e Institutos de Salud (ANLIS) “Dr. Carlos G Malbrán”
Classification: Likely pathogenic for Neurodevelopmental disorder with dysmorphic facies and distal limb anomalies. Last evaluated: 2025-03-28. Review status: criteria provided, single submitter. Criteria: ACMG Guidelines, 2015. Collection method: clinical testing. Allele origin: germline. Affected: yes. Observed: 1 variant allele.
Comment: This alteration causes a shift in the protein reading frame and introduces a premature termination codon two amino acids downstream of the variant site. Consequently, translation of the bromodomain (the major functional domain of the protein, encoded by exons 25 to 28) and the H3K4me3 histone-binding domain (a PHD-type zinc finger domain encoded by exons 24 and 25) is disrupted, leading to loss of normal protein function. BPTF is a haploinsufficient gene (PMID: 33522091; PMID: 28942966), and this variant is predicted to result in loss of protein production and function (PVS1). The variant is absent from population databases such as gnomAD, ExAC, and the 1000 Genomes Project (PM2_Supporting). The patient's phenotype is consistent with that described for Neurodevelopmental Disorder with Dysmorphic Facies and Distal Limb Anomalies (NEDDFL), and pathogenic variants in BPTF are known to cause this condition. The father was not available for testing.

Literature cited by the submitters: PubMed 33522091; PubMed 28942966.

NM_182641.4(BPTF):c.5971_5974delinsAACCT (p.Trp1991fs)

Gene: BPTF (bromodomain PHD finger transcription factor; plus strand). Cytogenetic location: 17q24.2.
Variant type: Indel.
Coding change: c.5971_5974delinsAACCT on transcript NM_182641.4 (MANE Select); coding-DNA positions 5971 to 5974, TGGG replaced by AACCT.
Protein change: p.Trp1991fs; shifts the reading frame from tryptophan 1991.
Molecular consequence: frameshift variant.
Genome position (GRCh38, 1-based): chr17:67,928,574-67,928,577, TGGG replaced by AACCT. VCF-style: chr17-67928574-TGGG-AACCT. GRCh37 (hg19) VCF-style: chr17-65924690-TGGG-AACCT.
Other names: c.6160_6163delinsAACCT, p.Trp2054fs (NM_001439139.1, NM_001439141.1, NM_001439143.1 and 1 more transcripts); c.6349_6352delinsAACCT, p.Trp2117fs (NM_001439140.1, NM_001439142.1, NM_004459.7); short protein forms W1991fs, W2054fs, W2117fs.
Identifiers: ClinVar variation 4871691 (VCV004871691.1).